The following is an entry in ClinVar:

NM_001177316.2(SLC34A3):c.561-32C>G

Gene: SLC34A3 (solute carrier family 34 member 3; plus strand). Cytogenetic location: 9q34.3.
Variant type: single nucleotide variant.
Coding change: c.561-32C>G on transcript NM_001177316.2 (MANE Select); 32 bases into the intron before coding-DNA position 561, C replaced by G.
Molecular consequence: intron variant.
Genome position (GRCh38, 1-based): chr9:137,233,177, C>G. VCF-style: chr9-137233177-C-G. GRCh37 (hg19) VCF-style: chr9-140127629-C-G.
Other names: c.561-32C>G (NM_001177317.2, NM_080877.3).
Identifiers: ClinVar variation 4987682 (VCV004987682.1).

ClinVar aggregate classification (germline): Likely benign (1 of 4 stars; one submission).

Conditions:
SLC34A3-related disorder. Also called: SLC34A3-related condition.

Submission:

PreventionGenetics, part of Exact Sciences
Classification: Likely benign for SLC34A3-related condition. Last evaluated: 2024-12-24. Review status: criteria provided, single submitter. Criteria: ACMG Guidelines, 2015. Collection method: clinical testing. Allele origin: germline.
Comment: This variant is classified as likely benign based on ACMG/AMP sequence variant interpretation guidelines (Richards et al. 2015 PMID: 25741868, with internal and published modifications).